The following is an entry in ClinVar:

NM_001202.6(BMP4):c.865_879delinsGT (p.Arg289fs)

Gene: BMP4 (bone morphogenetic protein 4; minus strand). Cytogenetic location: 14q22.2.
Variant type: Indel.
Coding change: c.865_879delinsGT on transcript NM_001202.6 (MANE Select); coding-DNA positions 865 to 879, AGGGCCAAGCGTAGC replaced by GT.
Protein change: p.Arg289fs; shifts the reading frame from arginine 289.
Molecular consequence: frameshift variant.
Genome position (GRCh38, 1-based): chr14:53,950,380-53,950,394, GCTACGCTTGGCCCT replaced by AC on the plus strand (AGGGCCAAGCGTAGC replaced by GT on the coding strand, the reverse complement: BMP4 is on the minus strand). VCF-style: chr14-53950380-GCTACGCTTGGCCCT-AC. GRCh37 (hg19) VCF-style: chr14-54417098-GCTACGCTTGGCCCT-AC.
Other names: c.1006_1020delinsGT, p.Arg336fs (NM_001347912.1); c.676_690delinsGT, p.Arg226fs (NM_001347913.2, NM_001347915.2, NM_001347917.1); c.865_879delinsGT, p.Arg289fs (NM_001347914.2, NM_001347916.1, NM_130850.5 and 1 more transcripts); short protein forms R289fs, R226fs, R336fs.
Identifiers: ClinVar variation 965809 (VCV000965809.5), dbSNP rs1895318709, ClinGen allele CA1139663489.

ClinVar aggregate classification (germline): Uncertain significance (1 of 4 stars; one submission).

Conditions:
Orofacial cleft 11 (OFC11). Also called: CLEFT LIP WITH OR WITHOUT CLEFT PALATE, NONSYNDROMIC, 11; Orofacial cleft 11; ofc11. Identifiers: MedGen C2677434, MONDO:0010906, OMIM 600625.
Microphthalmia with brain and digit anomalies (MCOPS6). Also called: MICROPHTHALMIA AND PITUITARY ANOMALIES; Microphthalmia, syndromic 6. Identifiers: Orphanet 139471, MedGen C1864689, MONDO:0011936, OMIM 607932.

Submission:

Labcorp Genetics (formerly Invitae), Labcorp
Classification: Uncertain significance for Microphthalmia with brain and digit anomalies; Orofacial cleft 11. Last evaluated: 2019-10-24. Review status: criteria provided, single submitter. Criteria: Invitae Variant Classification Sherloc (09022015). Collection method: clinical testing. Allele origin: germline.
Comment: This sequence change results in a premature translational stop signal in the BMP4 gene (p.Arg289Alafs*86). While this is not anticipated to result in nonsense mediated decay, it is expected to disrupt the last 120 amino acids of the BMP4 protein. This variant is not present in population databases (ExAC no frequency). This variant has not been reported in the literature in individuals with BMP4-related conditions. Experimental studies and prediction algorithms are not available or were not evaluated, and the functional significance of this variant is currently unknown. In summary, the available evidence is currently insufficient to determine the role of this variant in disease. Therefore, it has been classified as a Variant of Uncertain Significance.